The following is an entry in ClinVar:

ClinVar aggregate classification (germline): Uncertain significance. Review status: criteria provided, multiple submitters, no conflicts (2 of 4 stars). 2 submissions from 2 submitters: Uncertain significance (2). Last evaluated 2025-12-24.

Conditions:
Emery-Dreifuss muscular dystrophy (EDMD). Also called: Scapuloperoneal syndrome, X-linked (formerly); Humeroperoneal neuromuscular disease, (formerly). Identifiers: Orphanet 261, MedGen C0410189, MONDO:0016830.

Allele frequency attached by ClinVar (database versions not stated): ExAC 0.00002; gnomAD exomes 0.00002 and 0.00003; gnomAD 0.00005 and 0.00006; TOPMed 0.00008.

Submissions (2):

Labcorp Genetics (formerly Invitae), Labcorp
Classification: Uncertain significance for Emery-Dreifuss muscular dystrophy. Last evaluated: 2025-12-24. Review status: criteria provided, single submitter. Criteria: Invitae Variant Classification Sherloc (09022015). Collection method: clinical testing. Allele origin: germline.
Comment: This sequence change replaces alanine, which is neutral and non-polar, with threonine, which is neutral and polar, at codon 158 of the SUN2 protein (p.Ala158Thr). This variant is present in population databases (rs199600089, gnomAD 0.02%). This variant has not been reported in the literature in individuals affected with SUN2-related conditions. ClinVar contains an entry for this variant (Variation ID: 663848). An algorithm developed to predict the effect of missense changes on protein structure and function outputs the following: PolyPhen-2: "Benign". The threonine amino acid residue is found in multiple mammalian species, which suggests that this missense change does not adversely affect protein function. In summary, the available evidence is currently insufficient to determine the role of this variant in disease. Therefore, it has been classified as a Variant of Uncertain Significance.

Ambry Genetics
Classification: Uncertain significance. Last evaluated: 2025-08-27. Review status: criteria provided, single submitter. Criteria: Ambry Variant Classification Scheme 2023. Collection method: clinical testing. Allele origin: germline.

NM_015374.3(SUN2):c.472G>A (p.Ala158Thr)

Gene: SUN2 (Sad1 and UNC84 domain containing 2; minus strand). Cytogenetic location: 22q13.1.
Variant type: single nucleotide variant.
Coding change: c.472G>A on transcript NM_015374.3 (MANE Select); coding-DNA position 472, G replaced by A.
Protein change: p.Ala158Thr; replaces alanine 158 with threonine.
Molecular consequence: missense variant.
Genome position (GRCh38, 1-based): chr22:38,750,273, C>T on the plus strand (G>A on the coding strand, the complement: SUN2 is on the minus strand). VCF-style: chr22-38750273-C-T. GRCh37 (hg19) VCF-style: chr22-39146278-C-T.
Other names: c.535G>A, p.Ala179Thr (NM_001199579.2); c.472G>A, p.Ala158Thr (NM_001199580.2); short protein forms A158T, A179T.
Identifiers: ClinVar variation 663848 (VCV000663848.7), dbSNP rs199600089, ClinGen allele CA10235917.